The following is an entry in ClinVar:

NM_000368.5(TSC1):c.2092C>A (p.Leu698Met)

Gene: TSC1 (TSC complex subunit 1; minus strand). Cytogenetic location: 9q34.13.
Variant type: single nucleotide variant.
Coding change: c.2092C>A on transcript NM_000368.5 (MANE Select); coding-DNA position 2092, C replaced by A.
Protein change: p.Leu698Met; replaces leucine 698 with methionine.
Molecular consequence: missense variant. On other transcripts: non-coding transcript variant (4).
Genome position (GRCh38, 1-based): chr9:132,903,767, G>T on the plus strand (C>A on the coding strand, the complement: TSC1 is on the minus strand). VCF-style: chr9-132903767-G-T. GRCh37 (hg19) VCF-style: chr9-135779154-G-T.
Other names: c.2089C>A, p.Leu697Met (NM_001162426.2, NM_001406597.1, NM_001406598.1 and 4 more transcripts); c.1939C>A, p.Leu647Met (NM_001162427.2, NM_001406610.1); c.1729C>A, p.Leu577Met (NM_001362177.2, NM_001406614.1, NM_001406615.1 and 5 more transcripts); c.2092C>A, p.Leu698Met (NM_001406592.1, NM_001406593.1, NM_001406594.1 and 5 more transcripts); c.2077C>A, p.Leu693Met (NM_001406601.1, NM_001406602.1); c.2074C>A, p.Leu692Met (NM_001406603.1, NM_001406604.1); c.1936C>A, p.Leu646Met (NM_001406611.1, NM_001406612.1, NM_001406613.1); c.1726C>A, p.Leu576Met (NM_001406620.1, NM_001406621.1, NM_001406622.1 and 2 more transcripts); and 3 more; short protein forms L347M, L576M, L647M, L381M, L646M, L693M, L577M, L692M.
Identifiers: ClinVar variation 2562865 (VCV002562865.2), dbSNP rs551954460, ClinGen allele CA375361072.

ClinVar aggregate classification (germline): Uncertain significance (1 of 4 stars; one submission).

Conditions:
Hereditary cancer-predisposing syndrome. Also called: Neoplastic Syndromes, Hereditary; Hereditary Cancer Syndrome; Hereditary neoplastic syndrome; Tumor predisposition. Identifiers: Orphanet 140162, MedGen C0027672, MeSH D009386, MONDO:0015356.

Submission:

Ambry Genetics
Classification: Uncertain significance for Hereditary cancer-predisposing syndrome. Last evaluated: 2023-04-18. Review status: criteria provided, single submitter. Criteria: Ambry Variant Classification Scheme 2023. Collection method: clinical testing. Allele origin: germline.
Comment: The p.L698M variant (also known as c.2092C>A), located in coding exon 15 of the TSC1 gene, results from a C to A substitution at nucleotide position 2092. The leucine at codon 698 is replaced by methionine, an amino acid with highly similar properties. This amino acid position is conserved. In addition, the in silico prediction for this alteration is inconclusive. Since supporting evidence is limited at this time, the clinical significance of this alteration remains unclear.